The following is an entry in ClinVar:

NM_001348716.2(KDM6B):c.2740C>T (p.Leu914=)

Gene: KDM6B (lysine demethylase 6B; plus strand). Cytogenetic location: 17p13.1.
Variant type: single nucleotide variant.
Coding change: c.2740C>T on transcript NM_001348716.2 (MANE Select); coding-DNA position 2740, C replaced by T.
Protein change: p.Leu914=; no amino-acid change (leucine 914 retained).
Molecular consequence: synonymous variant.
Genome position (GRCh38, 1-based): chr17:7,849,028, C>T. VCF-style: chr17-7849028-C-T. GRCh37 (hg19) VCF-style: chr17-7752346-C-T.
Other names: c.2740C>T, p.Leu914= (NM_001080424.2).
Identifiers: ClinVar variation 3034943 (VCV003034943.2), dbSNP rs2544528135, ClinGen allele CA497948234.

ClinVar aggregate classification (germline): Likely benign (0 of 4 stars; one submission).

Conditions:
KDM6B-related disorder. Also called: KDM6B-related condition.

Allele frequency attached by ClinVar (database versions not stated): gnomAD exomes below 0.00001.
gnomAD v4.1: 1 of 1,395,618 alleles (0.000072%); highest among the groups gnomAD compares: Non-Finnish European, 0.000096%; no homozygotes.

Submission:

PreventionGenetics, part of Exact Sciences
Classification: Likely benign for KDM6B-related condition. Last evaluated: 2019-08-09. Review status: no assertion criteria provided. Collection method: clinical testing. Allele origin: germline.
Comment: This variant is classified as likely benign based on ACMG/AMP sequence variant interpretation guidelines (Richards et al. 2015 PMID: 25741868, with internal and published modifications).